The following is an entry in ClinVar:

ClinVar aggregate classification (germline): Conflicting classifications of pathogenicity. Review status: criteria provided, conflicting classifications (1 of 4 stars). 6 submissions from 6 submitters: Uncertain significance (3); Likely benign (3). Last evaluated 2025-04-30.

Conditions:
GJB3-related disorder. Also called: GJB3-related condition.
Erythrokeratodermia variabilis et progressiva 1 (EKVP1). Also called: ERYTHROKERATODERMIA FIGURATA, CONGENITAL FAMILIAL, IN PLAQUES; ERYTHROKERATODERMIA VARIABILIS WITH ERYTHEMA GYRATUM REPENS; ERYTHROKERATODERMIA, PROGRESSIVE SYMMETRIC. Identifiers: Orphanet 317, MedGen C4551486, MONDO:0033010, OMIM 133200.
Autosomal recessive nonsyndromic hearing loss 1A (DFNB1A). Also called: GJB6-Related DFNB 1 Nonsyndromic Hearing Loss and Deafness; Deafness, autosomal recessive 1A; Connexin 26 deafness; Deafness nonsyndromic, Connexin 26 linked; Nonsyndromic Hearing Loss and Deafness, DFNB1; GJB2-Related Autosomal Recessive Nonsyndromic Hearing Loss. Identifiers: Orphanet 90636, MedGen C2673759, MONDO:0009076, OMIM 220290.
Autosomal dominant nonsyndromic hearing loss 2B. Also called: DEAFNESS, AUTOSOMAL DOMINANT, WITH OR WITHOUT PERIPHERAL NEUROPATHY. Identifiers: Orphanet 90635, MedGen C2675236, MONDO:0012976, OMIM 612644.

Allele frequency attached by ClinVar (database versions not stated): gnomAD 0.00004 and 0.00009; TOPMed 0.00007; ESP Exome Variant Server 0.00015; gnomAD exomes 0.00024; ExAC 0.00027.
gnomAD v4.1: 241 of 1,613,752 alleles (0.015%); highest among the groups gnomAD compares: South Asian, 0.18%; 1 homozygote.

Submissions (6):

PreventionGenetics, part of Exact Sciences
Classification: Likely benign for GJB3-related condition. Last evaluated: 2025-04-30. Review status: criteria provided, single submitter. Criteria: ACMG Guidelines, 2015. Collection method: clinical testing. Allele origin: germline.
Comment: This variant is classified as likely benign based on ACMG/AMP sequence variant interpretation guidelines (Richards et al. 2015 PMID: 25741868, with internal and published modifications).

Labcorp Genetics (formerly Invitae), Labcorp
Classification: Likely benign. Last evaluated: 2024-01-11. Review status: criteria provided, single submitter. Criteria: Invitae Variant Classification Sherloc (09022015). Collection method: clinical testing. Allele origin: germline.

Revvity Omics, Revvity
Classification: Uncertain significance. Last evaluated: 2023-11-08. Review status: criteria provided, single submitter. Criteria: ACMG Guidelines, 2015. Collection method: clinical testing. Allele origin: germline.

GeneDx
Classification: Likely benign. Last evaluated: 2020-03-25. Review status: criteria provided, single submitter. Criteria: GeneDx Variant Classification Process June 2021. Collection method: clinical testing. Allele origin: germline. Affected: yes.

Fulgent Genetics
Classification: Uncertain significance for Erythrokeratodermia variabilis et progressiva 1; Autosomal recessive nonsyndromic hearing loss 1A; Autosomal dominant nonsyndromic hearing loss 2B. Last evaluated: 2018-10-31. Review status: criteria provided, single submitter. Criteria: ACMG Guidelines, 2015. Collection method: clinical testing. Allele origin: unknown.

Eurofins Ntd Llc (ga)
Classification: Uncertain significance. Last evaluated: 2016-10-04. Review status: criteria provided, single submitter. Criteria: EGL Classification Definitions 2015. Collection method: clinical testing. Allele origin: germline. Observed: 2 variant alleles, 2 heterozygotes.

NM_024009.3(GJB3):c.499G>A (p.Val167Met)

Gene: GJB3 (gap junction protein beta 3; plus strand). Cytogenetic location: 1p34.3.
Variant type: single nucleotide variant.
Coding change: c.499G>A on transcript NM_024009.3 (MANE Select); coding-DNA position 499, G replaced by A.
Protein change: p.Val167Met; replaces valine 167 with methionine.
Molecular consequence: missense variant.
Genome position (GRCh38, 1-based): chr1:34,785,261, G>A. VCF-style: chr1-34785261-G-A. GRCh37 (hg19) VCF-style: chr1-35250862-G-A.
Other names: c.499G>A, p.Val167Met (NM_001005752.2); short protein forms V167M.
Identifiers: ClinVar variation 289016 (VCV000289016.20), dbSNP rs376748531, ClinGen allele CA754846.